The following is an entry in ClinVar:

ClinVar aggregate classification (germline): Uncertain significance. Review status: criteria provided, multiple submitters, no conflicts (2 of 4 stars). 2 submissions from 2 submitters: Uncertain significance (2). Last evaluated 2026-06-03.

Conditions:
IDH1-related disorder. Also called: IDH1-related condition.

Allele frequency attached by ClinVar (database versions not stated): ExAC 0.00001.
gnomAD v4.1: 37 of 1,613,488 alleles (0.0023%); highest among the groups gnomAD compares: Non-Finnish European, 0.003%; no homozygotes.

Submissions (2):

PreventionGenetics, part of Exact Sciences
Classification: Uncertain significance for IDH1-related condition. Last evaluated: 2026-06-03. Review status: criteria provided, single submitter. Criteria: ACMG Guidelines, 2015. Collection method: clinical testing. Allele origin: germline.
Comment: The IDH1 c.767C>T variant is predicted to result in the amino acid substitution p.Ala256Val. This variant has been reported in an individual with kidney cancer (Supplementary table S2, Kim et al. 2021. PubMed ID: 34308104). This variant is reported in 0.0026% of alleles in individuals of European (Non-Finnish) descent in gnomAD. At this time, the clinical significance of this variant is uncertain due to the absence of conclusive functional and genetic evidence.

Ambry Genetics
Classification: Uncertain significance. Last evaluated: 2023-07-28. Review status: criteria provided, single submitter. Criteria: Ambry Variant Classification Scheme 2023. Collection method: clinical testing. Allele origin: germline.
Comment: The p.A256V variant (also known as c.767C>T), located in coding exon 5 of the IDH1 gene, results from a C to T substitution at nucleotide position 767. The alanine at codon 256 is replaced by valine, an amino acid with similar properties. This amino acid position is conserved. In addition, this alteration is predicted to be deleterious by in silico analysis. Since supporting evidence is limited at this time, the clinical significance of this alteration remains unclear.

NM_005896.4(IDH1):c.767C>T (p.Ala256Val)

Gene: IDH1 (isocitrate dehydrogenase (NADP(+)) 1; minus strand). Cytogenetic location: 2q34.
Variant type: single nucleotide variant.
Coding change: c.767C>T on transcript NM_005896.4 (MANE Select); coding-DNA position 767, C replaced by T.
Protein change: p.Ala256Val; replaces alanine 256 with valine.
Molecular consequence: missense variant.
Genome position (GRCh38, 1-based): chr2:208,242,077, G>A on the plus strand (C>T on the coding strand, the complement: IDH1 is on the minus strand). VCF-style: chr2-208242077-G-A. GRCh37 (hg19) VCF-style: chr2-209106801-G-A.
Other names: c.767C>T, p.Ala256Val (NM_001282386.1, NM_001282387.1); short protein forms A256V.
Identifiers: ClinVar variation 1760103 (VCV001760103.4), dbSNP rs765037248, ClinGen allele CA2078913.